The following is an entry in ClinVar:

ClinVar aggregate classification (germline): Uncertain significance (1 of 4 stars; one submission).

Conditions:
Leber congenital amaurosis 6 (LCA6). Identifiers: Orphanet 65, MedGen C1854260, MONDO:0013446, OMIM 613826.
Cone-rod dystrophy 13 (CORD13). Identifiers: Orphanet 1872, MedGen C2750720, MONDO:0011987, OMIM 608194.

Submission:

Labcorp Genetics (formerly Invitae), Labcorp
Classification: Uncertain significance for Leber congenital amaurosis 6; Cone-rod dystrophy 13. Last evaluated: 2022-04-09. Review status: criteria provided, single submitter. Criteria: Invitae Variant Classification Sherloc (09022015). Collection method: clinical testing. Allele origin: germline.
Comment: This variant has not been reported in the literature in individuals affected with RPGRIP1-related conditions. This sequence change replaces threonine, which is neutral and polar, with serine, which is neutral and polar, at codon 806 of the RPGRIP1 protein (p.Thr806Ser). This variant is not present in population databases (gnomAD no frequency). Algorithms developed to predict the effect of missense changes on protein structure and function are either unavailable or do not agree on the potential impact of this missense change (SIFT: "Tolerated"; PolyPhen-2: "Possibly Damaging"; Align-GVGD: "Class C0"). In summary, the available evidence is currently insufficient to determine the role of this variant in disease. Therefore, it has been classified as a Variant of Uncertain Significance.

NM_020366.4(RPGRIP1):c.2417C>G (p.Thr806Ser)

Gene: RPGRIP1 (RPGR interacting protein 1; plus strand). Cytogenetic location: 14q11.2.
Variant type: single nucleotide variant.
Coding change: c.2417C>G on transcript NM_020366.4 (MANE Select); coding-DNA position 2417, C replaced by G.
Protein change: p.Thr806Ser; replaces threonine 806 with serine.
Molecular consequence: missense variant. On other transcripts: intron variant (4).
Genome position (GRCh38, 1-based): chr14:21,325,880, C>G. VCF-style: chr14-21325880-C-G. GRCh37 (hg19) VCF-style: chr14-21794039-C-G.
Other names: c.1343C>G, p.Thr448Ser (NM_001377948.1); c.796+1155C>G (NM_001377949.1); c.689-1743C>G (NM_001377523.1, NM_001377950.1); c.191-1743C>G (NM_001377951.1); short protein forms T448S, T806S.
Identifiers: ClinVar variation 2102797 (VCV002102797.4), dbSNP rs142796310, ClinGen allele CA388868860.